The following is an entry in ClinVar:

NM_000540.3(RYR1):c.8290G>A (p.Glu2764Lys)

Gene: RYR1 (ryanodine receptor 1; plus strand). Cytogenetic location: 19q13.2.
Variant type: single nucleotide variant.
Coding change: c.8290G>A on transcript NM_000540.3 (MANE Select); coding-DNA position 8290, G replaced by A.
Protein change: p.Glu2764Lys; replaces glutamic acid 2764 with lysine.
Molecular consequence: missense variant.
Genome position (GRCh38, 1-based): chr19:38,505,061, G>A. VCF-style: chr19-38505061-G-A. GRCh37 (hg19) VCF-style: chr19-38995701-G-A.
Other names: NM_000540.3(RYR1):c.8290G>A; c.8290G>A, p.Glu2764Lys (NM_001042723.2); short protein forms E2764K.
Identifiers: ClinVar variation 133221 (VCV000133221.16), dbSNP rs193922829, ClinGen allele CA024903.
Genomic context (GRCh38, chr19:38,505,061, plus strand): 5'-AGTGTGATCATCCCGGAGAAGCTGGACTCCTTCATTAACAAGTTTGCGGAGTACACACAC[G>A]AGAAGTGGGCCTTCGACAAGGTTGGCCTCAGGGTCCTCCTATCCAAGAAACCCTCAAGAC-3'
Protein context (NP_000531.2, residues 2754-2774): FINKFAEYTH[Glu2764Lys]KWAFDKIQNN

ClinVar aggregate classification (germline): Uncertain significance. Review status: reviewed by expert panel (3 of 4 stars). 8 submissions from 8 submitters: Uncertain significance (1). 7 of the submissions do not count toward it. Last evaluated 2025-08-01.

Conditions:
Malignant hyperthermia, susceptibility to, 1 (MHS1). Also called: Anesthesia related hyperthermia; Malignant hyperpyrexia; Fulminating hyperpyrexia; Pharmacogenic myopathy; RYR1-Related Malignant Hyperthermia Susceptibility; Malignant hyperthermia suceptibility 1. Identifiers: Orphanet 423, MedGen C2930980, MONDO:0007783, OMIM 145600.
RYR1-related disorder. Also called: RYR1-related condition; RYR1-related disorders. Identifiers: MedGen CN239331.
Malignant hyperthermia of anesthesia. Also called: Anesthesic-triggered malignant hyperthermia. Identifiers: Orphanet 423, MedGen C0024591, MONDO:0018493, HP:0034733.

Allele frequency attached by ClinVar (database versions not stated): TOPMed 0.00001; gnomAD exomes 0.00001; ExAC 0.00002.
gnomAD v4.1: 14 of 1,614,062 alleles (0.00087%); highest among the groups gnomAD compares: Middle Eastern, 0.016%; no homozygotes.

Submissions (8):

ClinGen Malignant Hyperthermia Susceptibility Variant Curation Expert Panel, ClinGen
Classification: Uncertain significance for Malignant hyperthermia of anesthesia. Last evaluated: 2025-08-01. Review status: reviewed by expert panel. Criteria: ClinGen MHS ACMG Specifications V2. Collection method: curation. Allele origin: germline. Inheritance: Autosomal dominant inheritance.
Comment: This pathogenicity assessment is relevant only for malignant hyperthermia susceptibility (MHS) inherited in an autosomal dominant pattern. Variants in RYR1 can also cause other myopathies inherited in an autosomal dominant pattern or in an autosomal recessive pattern. Some of these disorders may predispose individuals to malignant hyperthermia. RYR1 variants may also contribute to a malignant hyperthermia reaction in combination with other genetic and non-genetic factors and the clinician needs to consider such factors in making management decisions. This sequence variant predicts a substitution of glutamic acid with lysine at codon 2764 of the RYR1 protein, p.(Glu2764Lys). The maximum allele frequency for this variant among the six major gnomAD populations is EAS: 0.000109, a frequency consistent with pathogenicity for MHS. To our knowledge, this variant has not been reported in any individuals with a personal or family history of an MH episode and a positive in vitro contracture test (IVCT) or caffeine halothane contracture test (CHCT). No functional studies were identified for this variant. This variant does not reside in a hotspot for pathogenic variants that contribute to MHS. A REVEL score of 0.842 supports neither a pathogenic nor a benign status for this variant. This variant has been classified as a Variant of Unknown Significance. No criteria implemented.

GeneDx
Classification: Likely pathogenic. Last evaluated: 2026-09-22. Review status: criteria provided, single submitter. Criteria: GeneDx Variant Classification Process June 2021. Collection method: clinical testing. Allele origin: germline. Not counted in ClinVar's aggregate classification.
Comment: Reported previously as a heterozygous variant in an individual with repeated episodes of generalized normokalemic paralysis (PMID: 31068157); Not observed at significant frequency in large population cohorts (gnomAD); In silico analysis supports that this missense variant has a deleterious effect on protein structure/function; This variant is associated with the following publications: (PMID: 22705209, 35677449, 31068157, 16835904, 12668474)

Color Diagnostics, LLC DBA Color Health
Classification: Uncertain significance for Malignant hyperthermia, susceptibility to, 1. Last evaluated: 2024-06-18. Review status: criteria provided, single submitter. Criteria: ACMG Guidelines, 2015. Collection method: clinical testing. Allele origin: germline. Not counted in ClinVar's aggregate classification.
Comment: This missense variant replaces glutamic acid with lysine at codon 2764 of the RYR1 protein. Computational prediction suggests that this variant may have deleterious impact on protein structure and function. To our knowledge, functional studies have not been reported for this variant. This variant has been reported in an individual affected with malignant hyperthermia susceptibility (PMID: 16835904). This variant has been identified in 3/251480 chromosomes in the general population by the Genome Aggregation Database (gnomAD). The available evidence is insufficient to determine the role of this variant in disease conclusively. Therefore, this variant is classified as a Variant of Uncertain Significance.

PreventionGenetics, part of Exact Sciences
Classification: Uncertain significance for RYR1-related condition. Last evaluated: 2023-10-10. Review status: criteria provided, single submitter. Criteria: ACMG Guidelines, 2015. Collection method: clinical testing. Allele origin: germline. Not counted in ClinVar's aggregate classification.
Comment: The RYR1 c.8290G>A variant is predicted to result in the amino acid substitution p.Glu2764Lys. This variant was previously reported in a patient with malignant hyperthermia and in another individual with primary periodic paralysis; however, pathogenicity was not established with segregation or functional analysis (Galli et al. 2006. PubMed ID: 16835904; Luo et al. 2019. PubMed ID: 31068157). This variant is reported in 0.011% of alleles in individuals of East Asian descent in gnomAD. This variant is interpreted as uncertain in ClinVar by the ClinGen Malignant Hyperthermia Susceptibility Expert Panel. At this time, the clinical significance of this variant is uncertain due to the absence of conclusive functional and genetic evidence.

All of Us Research Program, National Institutes of Health
Classification: Uncertain significance for Malignant hyperthermia, susceptibility to, 1. Last evaluated: 2023-06-26. Review status: criteria provided, single submitter. Criteria: ACMG Guidelines, 2015. Collection method: clinical testing. Allele origin: germline. Inheritance: Autosomal dominant inheritance. Observed: 4 variant alleles, 4 heterozygotes. Not counted in ClinVar's aggregate classification.
Comment: This missense variant replaces glutamic acid with lysine at codon 2764 of the RYR1 protein. Computational prediction suggests that this variant may have deleterious impact on protein structure and function (internally defined REVEL score threshold >= 0.7, PMID: 27666373). To our knowledge, functional studies have not been reported for this variant. This variant has been reported in an individual affected with malignant hyperthermia susceptibility (PMID: 16835904). This variant has been identified in 3/251480 chromosomes in the general population by the Genome Aggregation Database (gnomAD). The available evidence is insufficient to determine the role of this variant in disease conclusively. Therefore, this variant is classified as a Variant of Uncertain Significance.

This study involves interpretation of variants in research participants for the purpose of population health screening. Participant phenotype was not available at the time of variant classification. Additional details can be found in publication PMID: 35346344, PMCID: PMC8962531

Center for Personalized Medicine, Children's Hospital Los Angeles
Classification: Likely pathogenic. Last evaluated: 2018-11-19. Review status: criteria provided, single submitter. Criteria: ACMG Guidelines, 2015. Collection method: clinical testing. Allele origin: germline. Affected: yes. Not counted in ClinVar's aggregate classification.

Laboratory for Molecular Medicine, Mass General Brigham Personalized Medicine
Classification: Uncertain significance. Last evaluated: 2016-06-23. Review status: criteria provided, single submitter. Criteria: LMM Criteria. Collection method: clinical testing. Allele origin: germline. Not counted in ClinVar's aggregate classification.
Comment: Variant identified in a genome or exome case(s) and assessed due to predicted null impact of the variant or pathogenic assertions in the literature or databases. Disclaimer: This variant has not undergone full assessment.

RYR1 database
No classification provided. Review status: no classification provided. Collection method: not provided. Allele origin: unknown. Not counted in ClinVar's aggregate classification.

Literature cited by the submitters: PubMed 16835904 (cited by Color Diagnostics, LLC DBA Color Health and All of Us Research Program, National Institutes of Health).